The following is an entry in ClinVar:

ClinVar aggregate classification (germline): Likely benign. Review status: criteria provided, multiple submitters, no conflicts (2 of 4 stars). 3 submissions from 3 submitters: Likely benign (3). Last evaluated 2025-11-27.

Conditions:
Tuberous sclerosis 2 (TSC2). Identifiers: Orphanet 805, MedGen C1860707, MONDO:0013199, OMIM 613254.

Allele frequency attached by ClinVar (database versions not stated): TOPMed below 0.00001; gnomAD 0.00001.
gnomAD v4.1: 22 of 1,612,314 alleles (0.0014%); highest among the groups gnomAD compares: Non-Finnish European, 0.0019%; no homozygotes.

Submissions (3):

Labcorp Genetics (formerly Invitae), Labcorp
Classification: Likely benign for Tuberous sclerosis 2. Last evaluated: 2025-11-27. Review status: criteria provided, single submitter. Criteria: Invitae Variant Classification Sherloc (09022015). Collection method: clinical testing. Allele origin: germline.

Blueprint Genetics
Classification: Likely benign. Last evaluated: 2020-08-04. Review status: criteria provided, single submitter. Criteria: ACMG Guidelines, 2015. Collection method: clinical testing. Allele origin: germline.

GeneDx
Classification: Likely benign. Last evaluated: 2016-08-29. Review status: criteria provided, single submitter. Criteria: GeneDx Variant Classification (06012015). Collection method: clinical testing. Allele origin: germline. Affected: yes.
Comment: This variant is considered likely benign or benign based on one or more of the following criteria: it is a conservative change, it occurs at a poorly conserved position in the protein, it is predicted to be benign by multiple in silico algorithms, and/or has population frequency not consistent with disease.

NM_000548.5(TSC2):c.3815-18C>A

Gene: TSC2 (TSC complex subunit 2; plus strand). Cytogenetic location: 16p13.3.
Variant type: single nucleotide variant.
Coding change: c.3815-18C>A on transcript NM_000548.5 (MANE Select); 18 bases into the intron before coding-DNA position 3815, C replaced by A.
Molecular consequence: intron variant.
Genome position (GRCh38, 1-based): chr16:2,082,418, C>A. VCF-style: chr16-2082418-C-A. GRCh37 (hg19) VCF-style: chr16-2132419-C-A.
Other names: c.3814+620C>A (NM_001114382.3); c.3686-18C>A (NM_021055.3, NM_001370405.1); c.3685+620C>A (NM_001363528.2); c.3683-18C>A (NM_001370404.1); c.3682+620C>A (NM_001077183.3); c.3574+620C>A (NM_001318827.2); c.3083-18C>A (NM_001318831.2); c.3538+620C>A (NM_001318829.2); and 1 more.
Identifiers: ClinVar variation 388948 (VCV000388948.9), dbSNP rs947736117, ClinGen allele CA16608063.